The following is an entry in ClinVar:

ClinVar aggregate classification (germline): Uncertain significance (1 of 4 stars; one submission).

Conditions:
X-linked Opitz G/BBB syndrome (GBBB). Also called: OPITZ BBBG SYNDROME, TYPE I; OPITZ SYNDROME, X-LINKED; OPITZ-G SYNDROME, TYPE I; MID1-Related Opitz G/BBB Syndrome; Opitz-Frias syndrome. Identifiers: Orphanet 2745, MedGen C2936904, MONDO:0010222, OMIM 300000.

Submission:

3billion
Classification: Uncertain significance for X-linked Opitz G/BBB syndrome. Last evaluated: 2024-01-26. Review status: criteria provided, single submitter. Criteria: ACMG Guidelines, 2015. Collection method: clinical testing. Allele origin: germline. Affected: yes.
Comment: The variant is not observed in the gnomAD v2.1.1 dataset. Predicted Consequence/Location: The majority of the known disease-causing variants of this gene are variants expected to result in premature termination of the protein. In silico tool predictions suggest damaging effect of the variant on gene or gene product [REVEL: 0.89 (>=0.6, sensitivity 0.68 and specificity 0.92); 3Cnet: 0.89 (>=0.6, sensitivity 0.72 and precision 0.9)]. Therefore, this variant is classified as VUS according to the recommendation of ACMG/AMP guideline.

NM_000381.4(MID1):c.1826A>T (p.Asp609Val)

Genes: MID1 (midline 1; minus strand), LOC126863207 (BRD4-independent group 4 enhancer GRCh37_chrX:10416979-10418178; plus strand). Cytogenetic location: Xp22.2.
Variant type: single nucleotide variant.
Coding change: c.1826A>T on transcript NM_000381.4 (MANE Select); coding-DNA position 1826, A replaced by T.
Protein change: p.Asp609Val; replaces aspartic acid 609 with valine.
Molecular consequence: missense variant.
Genome position (GRCh38, 1-based): chrX:10,449,546, T>A on the plus strand (A>T on the coding strand, the complement: MID1 is on the minus strand). VCF-style: chrX-10449546-T-A. GRCh37 (hg19) VCF-style: chrX-10417586-T-A.
Other names: c.1826A>T, p.Asp609Val (NM_001098624.2, NM_001193277.1, NM_001347733.2 and 1 more transcripts); c.1712A>T, p.Asp571Val (NM_033289.2); short protein forms D571V, D609V.
Identifiers: ClinVar variation 3775655 (VCV003775655.1).